The following is an entry in ClinVar:

ClinVar aggregate classification (germline): Likely benign. Review status: criteria provided, multiple submitters, no conflicts (2 of 4 stars). 2 submissions from 2 submitters: Likely benign (2). Last evaluated 2022-06-08.

Conditions:
Dilated cardiomyopathy 1JJ (CMD1JJ). Identifiers: Orphanet 154, MedGen C3808935, MONDO:0014095, OMIM 615235.

Allele frequency attached by ClinVar (database versions not stated): gnomAD 0.00003.
gnomAD v4.1: 24 of 1,613,432 alleles (0.0015%); highest among the groups gnomAD compares: Admixed American, 0.0017%; no homozygotes.

Submissions (2):

Labcorp Genetics (formerly Invitae), Labcorp
Classification: Likely benign for Dilated cardiomyopathy 1JJ. Last evaluated: 2022-06-08. Review status: criteria provided, single submitter. Criteria: Invitae Variant Classification Sherloc (09022015). Collection method: clinical testing. Allele origin: germline.

GeneDx
Classification: Likely benign. Last evaluated: 2016-03-21. Review status: criteria provided, single submitter. Criteria: GeneDx Variant Classification (06012015). Collection method: clinical testing. Allele origin: germline. Affected: yes.
Comment: This variant is considered likely benign or benign based on one or more of the following criteria: it is a conservative change, it occurs at a poorly conserved position in the protein, it is predicted to be benign by multiple in silico algorithms, and/or has population frequency not consistent with disease.

NM_001105206.3(LAMA4):c.3696+8C>T

Gene: LAMA4 (laminin subunit alpha 4; minus strand). Cytogenetic location: 6q21.
Variant type: single nucleotide variant.
Coding change: c.3696+8C>T on transcript NM_001105206.3 (MANE Select); 8 bases into the intron after coding-DNA position 3696, C replaced by T.
Molecular consequence: intron variant.
Genome position (GRCh38, 1-based): chr6:112,133,341, G>A on the plus strand (C>T on the coding strand, the complement: LAMA4 is on the minus strand). VCF-style: chr6-112133341-G-A. GRCh37 (hg19) VCF-style: chr6-112454543-G-A.
Other names: c.3675+8C>T (NM_002290.5, NM_001105207.3, LRG_433t2).
Identifiers: ClinVar variation 384801 (VCV000384801.5), dbSNP rs782714768, ClinGen allele CA3965158.